The following is an entry in ClinVar:

NM_004260.4(RECQL4):c.3235A>G (p.Ser1079Gly)

Gene: RECQL4 (RecQ like helicase 4; minus strand). Cytogenetic location: 8q24.3.
Variant type: single nucleotide variant.
Coding change: c.3235A>G on transcript NM_004260.4 (MANE Select); coding-DNA position 3235, A replaced by G.
Protein change: p.Ser1079Gly; replaces serine 1079 with glycine.
Molecular consequence: missense variant. On other transcripts: non-coding transcript variant (3).
Genome position (GRCh38, 1-based): chr8:144,512,145, T>C on the plus strand (A>G on the coding strand, the complement: RECQL4 is on the minus strand). VCF-style: chr8-144512145-T-C. GRCh37 (hg19) VCF-style: chr8-145737528-T-C.
Other names: c.2164A>G, p.Ser722Gly (NM_001413035.1, NM_001413040.1, NM_001413021.1 and 4 more transcripts); c.3235A>G, p.Ser1079Gly (NM_001413036.1); c.2032A>G, p.Ser678Gly (NM_001413037.1); c.1966A>G, p.Ser656Gly (NM_001413038.1, NM_001413031.1); c.3205A>G, p.Ser1069Gly (NM_001413039.1); c.2173A>G, p.Ser725Gly (NM_001413041.1); c.2134A>G, p.Ser712Gly (NM_001413042.1); c.1768A>G, p.Ser590Gly (NM_001413043.1); and 9 more; short protein forms S1047G, S1079G, S678G, S700G, S981G, S1013G, S1036G, S590G.
Identifiers: ClinVar variation 2827760 (VCV002827760.3), dbSNP rs2130657561, ClinGen allele CA372669603.

ClinVar aggregate classification (germline): Uncertain significance (1 of 4 stars; one submission).

Conditions:
Baller-Gerold syndrome (BGS). Also called: CRANIOSYNOSTOSIS WITH RADIAL DEFECTS. Identifiers: Orphanet 1225, MedGen C0265308, MONDO:0009039, OMIM 218600.

Submission:

Labcorp Genetics (formerly Invitae), Labcorp
Classification: Uncertain significance for Baller-Gerold syndrome. Last evaluated: 2023-01-11. Review status: criteria provided, single submitter. Criteria: Invitae Variant Classification Sherloc (09022015). Collection method: clinical testing. Allele origin: germline.
Comment: In summary, the available evidence is currently insufficient to determine the role of this variant in disease. Therefore, it has been classified as a Variant of Uncertain Significance. Algorithms developed to predict the effect of sequence changes on RNA splicing suggest that this variant may disrupt the consensus splice site. Experimental studies and prediction algorithms are not available or were not evaluated, and the functional significance of this variant is currently unknown. This variant has not been reported in the literature in individuals affected with RECQL4-related conditions. This variant is not present in population databases (gnomAD no frequency). This sequence change replaces serine, which is neutral and polar, with glycine, which is neutral and non-polar, at codon 1079 of the RECQL4 protein (p.Ser1079Gly).